The following is an entry in ClinVar:

ClinVar aggregate classification (germline): Uncertain significance (1 of 4 stars; one submission).

Conditions:
Epileptic encephalopathy. Identifiers: MedGen C0543888, HP:0200134.

Submission:

Labcorp Genetics (formerly Invitae), Labcorp
Classification: Uncertain significance for Epileptic encephalopathy. Last evaluated: 2020-06-18. Review status: criteria provided, single submitter. Criteria: Invitae Variant Classification Sherloc (09022015). Collection method: clinical testing. Allele origin: germline.
Comment: In summary, the available evidence is currently insufficient to determine the role of this variant in disease. Therefore, it has been classified as a Variant of Uncertain Significance. Algorithms developed to predict the effect of missense changes on protein structure and function (SIFT, PolyPhen-2, Align-GVGD) all suggest that this variant is likely to be tolerated, but these predictions have not been confirmed by published functional studies and their clinical significance is uncertain. This variant has not been reported in the literature in individuals with RYR3-related conditions. This variant is not present in population databases (ExAC no frequency). This sequence change replaces glutamic acid with lysine at codon 2276 of the RYR3 protein (p.Glu2276Lys). The glutamic acid residue is highly conserved and there is a small physicochemical difference between glutamic acid and lysine.

NM_001036.6(RYR3):c.6826G>A (p.Glu2276Lys)

Gene: RYR3 (ryanodine receptor 3; plus strand). Cytogenetic location: 15q14.
Variant type: single nucleotide variant.
Coding change: c.6826G>A on transcript NM_001036.6 (MANE Select); coding-DNA position 6826, G replaced by A.
Protein change: p.Glu2276Lys; replaces glutamic acid 2276 with lysine.
Molecular consequence: missense variant.
Genome position (GRCh38, 1-based): chr15:33,724,090, G>A. VCF-style: chr15-33724090-G-A. GRCh37 (hg19) VCF-style: chr15-34016291-G-A.
Other names: c.6826G>A, p.Glu2276Lys (NM_001243996.4); short protein forms E2276K.
Identifiers: ClinVar variation 1043415 (VCV001043415.8), dbSNP rs2068161998, ClinGen allele CA391587999.